The following is an entry in ClinVar:

NM_024753.5(TTC21B):c.1218G>T (p.Met406Ile)

Gene: TTC21B (tetratricopeptide repeat domain 21B; minus strand). Cytogenetic location: 2q24.3.
Variant type: single nucleotide variant.
Coding change: c.1218G>T on transcript NM_024753.5 (MANE Select); coding-DNA position 1218, G replaced by T.
Protein change: p.Met406Ile; replaces methionine 406 with isoleucine.
Molecular consequence: missense variant.
Genome position (GRCh38, 1-based): chr2:165,929,303, C>A on the plus strand (G>T on the coding strand, the complement: TTC21B is on the minus strand). VCF-style: chr2-165929303-C-A. GRCh37 (hg19) VCF-style: chr2-166785813-C-A.
Other names: c.1218G>T (NM_024753.4); short protein forms M406I.
Identifiers: ClinVar variation 1914190 (VCV001914190.6), dbSNP rs2468209468, ClinGen allele CA349065569.
Genomic context (GRCh38, chr2:165,929,303, plus strand): 5'-GTGAGTGTCCAGGACATCATTTAACAAATTAATAACTTCTTCTTGTCGTTTATTTTTCTT[C>A]ATGGCAAGAACTGCATGTAAATAGATTAATTCCTAGAAAATAAGTAGTTTTCATAAATTA-3'
Protein context (NP_079029.3, residues 396-416): ELIYLHAVLA[Met406Ile]KKNKRQEEVI

ClinVar aggregate classification (germline): Uncertain significance. Review status: criteria provided, single submitter (1 of 4 stars). 2 submissions from 2 submitters: Uncertain significance (1). 1 of the submissions does not count toward it. Last evaluated 2025-01-13.

Conditions:
TTC21B-related disorder. Also called: TTC21B-related condition; TTC21B-related disorders.
Jeune thoracic dystrophy. Also called: Jeune syndrome; Infantile thoracic dystrophy; Thoracic pelvic phalangeal dystrophy; Jeune's syndrome; Chondroectodermal dysplasia-like syndrome; Short-rib thoracic dysplasia. Identifiers: Orphanet 474, MedGen C0265275, MONDO:0018770.
Nephronophthisis. Also called: Juvenile Nephronophthisis. Identifiers: Orphanet 655, MedGen C0687120, MONDO:0019005, HP:0000090.

Submissions (2):

Labcorp Genetics (formerly Invitae), Labcorp
Classification: Uncertain significance for Jeune thoracic dystrophy; Nephronophthisis. Last evaluated: 2025-01-13. Review status: criteria provided, single submitter. Criteria: Invitae Variant Classification Sherloc (09022015). Collection method: clinical testing. Allele origin: germline.
Comment: This sequence change replaces methionine, which is neutral and non-polar, with isoleucine, which is neutral and non-polar, at codon 406 of the TTC21B protein (p.Met406Ile). This variant is not present in population databases (gnomAD no frequency). This variant has not been reported in the literature in individuals affected with TTC21B-related conditions. ClinVar contains an entry for this variant (Variation ID: 1914190). Invitae Evidence Modeling of protein sequence and biophysical properties (such as structural, functional, and spatial information, amino acid conservation, physicochemical variation, residue mobility, and thermodynamic stability) indicates that this missense variant is not expected to disrupt TTC21B protein function with a negative predictive value of 95%. In summary, the available evidence is currently insufficient to determine the role of this variant in disease. Therefore, it has been classified as a Variant of Uncertain Significance.

PreventionGenetics, part of Exact Sciences
Classification: Uncertain significance for TTC21B-related condition. Last evaluated: 2024-08-12. Review status: no assertion criteria provided. Collection method: clinical testing. Allele origin: germline. Not counted in ClinVar's aggregate classification.
Comment: The TTC21B c.1218G>T variant is predicted to result in the amino acid substitution p.Met406Ile. To our knowledge, this variant has not been reported in the literature or in a large population database, indicating this variant is rare. At this time, the clinical significance of this variant is uncertain due to the absence of conclusive functional and genetic evidence.